The following is an entry in ClinVar:

ClinVar aggregate classification (germline): Uncertain significance (1 of 4 stars; one submission).

Submission:

GeneDx
Classification: Uncertain significance. Last evaluated: 2024-09-25. Review status: criteria provided, single submitter. Criteria: GeneDx Variant Classification Process June 2021. Collection method: clinical testing. Allele origin: germline. Affected: yes.
Comment: Not observed at significant frequency in large population cohorts (gnomAD); In silico analysis supports a deleterious effect on protein structure/function; Has not been previously published as pathogenic or benign to our knowledge

NM_078480.3(PUF60):c.1669_1670delinsAC (p.Leu557Thr)

Gene: PUF60 (poly(U) binding splicing factor 60; minus strand). Cytogenetic location: 8q24.3.
Variant type: Indel.
Coding change: c.1669_1670delinsAC on transcript NM_078480.3 (MANE Select); coding-DNA positions 1669 to 1670, CT replaced by AC.
Protein change: p.Leu557Thr; replaces leucine 557 with threonine.
Molecular consequence: missense variant.
Genome position (GRCh38, 1-based): chr8:143,816,530-143,816,531, AG replaced by GT on the plus strand (CT replaced by AC on the coding strand, the reverse complement: PUF60 is on the minus strand). VCF-style: chr8-143816530-AG-GT. GRCh37 (hg19) VCF-style: chr8-144898700-AG-GT.
Other names: c.1540_1541delinsAC, p.Leu514Thr (NM_001136033.3); c.1615_1616delinsAC, p.Leu539Thr (NM_001271096.2); c.1531_1532delinsAC, p.Leu511Thr (NM_001271097.2); c.1666_1667delinsAC, p.Leu556Thr (NM_001271098.2); c.1582_1583delinsAC, p.Leu528Thr (NM_001271099.2); c.1489_1490delinsAC, p.Leu497Thr (NM_001271100.2); c.1780_1781delinsAC, p.Leu594Thr (NM_001362895.2, NM_001362896.2); c.1729_1730delinsAC, p.Leu577Thr (NM_001362897.2); and 1 more; short protein forms L497T, L511T, L514T, L528T, L539T, L540T, L556T, L557T.
Identifiers: ClinVar variation 3777414 (VCV003777414.1).